The following is an entry in ClinVar:

NM_000143.4(FH):c.578C>A (p.Thr193Lys)

Gene: FH (fumarate hydratase; minus strand). Cytogenetic location: 1q43.
Variant type: single nucleotide variant.
Coding change: c.578C>A on transcript NM_000143.4 (MANE Select); coding-DNA position 578, C replaced by A.
Protein change: p.Thr193Lys; replaces threonine 193 with lysine.
Molecular consequence: missense variant.
Genome position (GRCh38, 1-based): chr1:241,508,763, G>T on the plus strand (C>A on the coding strand, the complement: FH is on the minus strand). VCF-style: chr1-241508763-G-T. GRCh37 (hg19) VCF-style: chr1-241672063-G-T.
Other names: short protein forms T193K.
Identifiers: ClinVar variation 4745924 (VCV004745924.1).

ClinVar aggregate classification (germline): Likely pathogenic (1 of 4 stars; one submission).

Submission:

Labcorp Genetics (formerly Invitae), Labcorp
Classification: Likely pathogenic. Last evaluated: 2025-06-08. Review status: criteria provided, single submitter. Criteria: Invitae Variant Classification Sherloc (09022015). Collection method: clinical testing. Allele origin: germline.
Comment: This sequence change replaces threonine, which is neutral and polar, with lysine, which is basic and polar, at codon 193 of the FH protein (p.Thr193Lys). This variant is not present in population databases (gnomAD no frequency). This variant has not been reported in the literature in individuals affected with FH-related conditions. Invitae Evidence Modeling of protein sequence and biophysical properties (such as structural, functional, and spatial information, amino acid conservation, physicochemical variation, residue mobility, and thermodynamic stability) indicates that this missense variant is expected to disrupt FH protein function with a positive predictive value of 95%. This variant disrupts the 24346898 amino acid residue in FH. Other variant(s) that disrupt this residue have been determined to be pathogenic (PMID: 24346898; internal data). This suggests that this residue is clinically significant, and that variants that disrupt this residue are likely to be disease-causing. In summary, the currently available evidence indicates that the variant is pathogenic, but additional data are needed to prove that conclusively. Therefore, this variant has been classified as Likely Pathogenic.

Literature cited by the submitters: PubMed 24346898.